The following is an entry in ClinVar:

ClinVar aggregate classification (germline): Pathogenic (1 of 4 stars; one submission).

Conditions:
Fanconi anemia (FA). Also called: Fanconi's anemia. Identifiers: Orphanet 84, MedGen C0015625, MeSH D005199, MONDO:0019391.

Submission:

Labcorp Genetics (formerly Invitae), Labcorp
Classification: Pathogenic for Fanconi anemia. Last evaluated: 2022-08-28. Review status: criteria provided, single submitter. Criteria: Invitae Variant Classification Sherloc (09022015). Collection method: clinical testing. Allele origin: germline.
Comment: This variant has not been reported in the literature in individuals affected with FANCM-related conditions. This variant is not present in population databases (gnomAD no frequency). This sequence change creates a premature translational stop signal (p.Ile503Asnfs*29) in the FANCM gene. It is expected to result in an absent or disrupted protein product. Loss-of-function variants in FANCM are known to be pathogenic (PMID: 29895858, 30075111). For these reasons, this variant has been classified as Pathogenic.

Literature cited by the submitters: PubMed 29895858; PubMed 30075111.

NM_020937.4(FANCM):c.1508_1515del (p.Ile503fs)

Gene: FANCM (FA complementation group M; plus strand). Cytogenetic location: 14q21.2.
Variant type: Deletion.
Coding change: c.1508_1515del on transcript NM_020937.4 (MANE Select); coding-DNA positions 1508 to 1515, 8 bases deleted (TTAGAGTA; older notation c.1508_1515delTTAGAGTA).
Protein change: p.Ile503fs; shifts the reading frame from isoleucine 503.
Molecular consequence: frameshift variant.
Genome position (GRCh38, 1-based): chr14:45,159,207-45,159,214, TTAGAGTA deleted; deleting any 8 consecutive bases within chr14:45,159,205-45,159,214 gives the same sequence; the c. name uses the placement nearest the transcript's 3' end. VCF-style (leftmost placement, unchanged base first): chr14-45159204-TTATTAGAG-T. GRCh37 (hg19) VCF-style: chr14-45628407-TTATTAGAG-T.
Other names: c.1430_1437del, p.Ile477fs (NM_001308133.2); c.1508_1515del, p.Ile503fs (NM_001308134.2); short protein forms I503fs, I477fs.
Identifiers: ClinVar variation 2027677 (VCV002027677.4), dbSNP rs2503123056, ClinGen allele CA2580088120.